The following is an entry in ClinVar:

ClinVar aggregate classification (germline): Uncertain significance. Review status: criteria provided, multiple submitters, no conflicts (2 of 4 stars). 2 submissions from 2 submitters: Uncertain significance (2). Last evaluated 2020-02-20.

Conditions:
Familial cancer of breast. Also called: BREAST CANCER, FAMILIAL; Hereditary breast cancer; hereditary breast carcinoma. Identifiers: Orphanet 227535, MedGen C0346153, MONDO:0016419, OMIM 114480. Disease mechanism: loss of function.
Hereditary cancer-predisposing syndrome. Also called: Hereditary Cancer Syndrome; Tumor predisposition; Hereditary neoplastic syndrome; Neoplastic Syndromes, Hereditary. Identifiers: Orphanet 140162, MedGen C0027672, MeSH D009386, MONDO:0015356.

Submissions (2):

Labcorp Genetics (formerly Invitae), Labcorp
Classification: Uncertain significance for Familial cancer of breast. Last evaluated: 2020-02-20. Review status: criteria provided, single submitter. Criteria: Invitae Variant Classification Sherloc (09022015). Collection method: clinical testing. Allele origin: germline.
Comment: This sequence change replaces threonine with proline at codon 432 of the CHEK2 protein (p.Thr432Pro). The threonine residue is moderately conserved and there is a small physicochemical difference between threonine and proline. This variant is not present in population databases (ExAC no frequency). This variant has not been reported in the literature in individuals with CHEK2-related conditions. Algorithms developed to predict the effect of missense changes on protein structure and function are either unavailable or do not agree on the potential impact of this missense change (SIFT: "Deleterious"; PolyPhen-2: "Benign"; Align-GVGD: "Class C0"). In summary, the available evidence is currently insufficient to determine the role of this variant in disease. Therefore, it has been classified as a Variant of Uncertain Significance.

Ambry Genetics
Classification: Uncertain significance for Hereditary cancer-predisposing syndrome. Last evaluated: 2020-02-03. Review status: criteria provided, single submitter. Criteria: Ambry Variant Classification Scheme 2023. Collection method: clinical testing. Allele origin: germline.
Comment: The p.T432P variant (also known as c.1294A>C), located in coding exon 11 of the CHEK2 gene, results from an A to C substitution at nucleotide position 1294. The threonine at codon 432 is replaced by proline, an amino acid with highly similar properties. This amino acid position is well conserved in available vertebrate species. In addition, the in silico prediction for this alteration is inconclusive. Since supporting evidence is limited at this time, the clinical significance of this alteration remains unclear.

NM_007194.4(CHEK2):c.1294A>C (p.Thr432Pro)

Gene: CHEK2 (checkpoint kinase 2; minus strand). Cytogenetic location: 22q12.1.
Variant type: single nucleotide variant.
Coding change: c.1294A>C on transcript NM_007194.4 (MANE Select); coding-DNA position 1294, A replaced by C.
Protein change: p.Thr432Pro; replaces threonine 432 with proline.
Molecular consequence: missense variant.
Genome position (GRCh38, 1-based): chr22:28,695,208, T>G on the plus strand (A>C on the coding strand, the complement: CHEK2 is on the minus strand). VCF-style: chr22-28695208-T-G. GRCh37 (hg19) VCF-style: chr22-29091196-T-G.
Other names: c.1423A>C, p.Thr475Pro (NM_001005735.3); c.631A>C, p.Thr211Pro (NM_001257387.3); c.1093A>C, p.Thr365Pro (NM_001349956.3); c.1207A>C, p.Thr403Pro (NM_145862.3); short protein forms T211P, T365P, T403P, T432P, T475P.
Identifiers: ClinVar variation 1057691 (VCV001057691.12), dbSNP rs2145795088, ClinGen allele CA411096144.